The following is an entry in ClinVar:

ClinVar aggregate classification (germline): Uncertain significance (1 of 4 stars; one submission).

Allele frequency attached by ClinVar (database versions not stated): TOPMed below 0.00001; gnomAD 0.00001; gnomAD exomes 0.00002.
gnomAD v4.1: 15 of 1,613,276 alleles (0.00093%); highest among the groups gnomAD compares: Non-Finnish European, 0.0013%; no homozygotes.

Submission:

Labcorp Genetics (formerly Invitae), Labcorp
Classification: Uncertain significance. Last evaluated: 2022-10-13. Review status: criteria provided, single submitter. Criteria: Invitae Variant Classification Sherloc (09022015). Collection method: clinical testing. Allele origin: germline.
Comment: Advanced modeling of protein sequence and biophysical properties (such as structural, functional, and spatial information, amino acid conservation, physicochemical variation, residue mobility, and thermodynamic stability) performed at Invitae indicates that this missense variant is not expected to disrupt NBAS protein function. In summary, the available evidence is currently insufficient to determine the role of this variant in disease. Therefore, it has been classified as a Variant of Uncertain Significance. This sequence change replaces valine, which is neutral and non-polar, with alanine, which is neutral and non-polar, at codon 1500 of the NBAS protein (p.Val1500Ala). This variant is not present in population databases (gnomAD no frequency). This variant has not been reported in the literature in individuals affected with NBAS-related conditions.

NM_015909.4(NBAS):c.4499T>C (p.Val1500Ala)

Gene: NBAS (NBAS subunit of NRZ tethering complex; minus strand). Cytogenetic location: 2p24.3.
Variant type: single nucleotide variant.
Coding change: c.4499T>C on transcript NM_015909.4 (MANE Select); coding-DNA position 4499, T replaced by C.
Protein change: p.Val1500Ala; replaces valine 1500 with alanine.
Molecular consequence: missense variant. On other transcripts: non-coding transcript variant (1).
Genome position (GRCh38, 1-based): chr2:15,327,833, A>G on the plus strand (T>C on the coding strand, the complement: NBAS is on the minus strand). VCF-style: chr2-15327833-A-G. GRCh37 (hg19) VCF-style: chr2-15467957-A-G.
Other names: short protein forms V1500A.
Identifiers: ClinVar variation 2188714 (VCV002188714.4), dbSNP rs1672143123, ClinGen allele CA345895581.